The following is an entry in ClinVar:

NM_004260.4(RECQL4):c.626G>A (p.Arg209Lys)

Gene: RECQL4 (RecQ like helicase 4; minus strand). Cytogenetic location: 8q24.3.
Variant type: single nucleotide variant.
Coding change: c.626G>A on transcript NM_004260.4 (MANE Select); coding-DNA position 626, G replaced by A.
Protein change: p.Arg209Lys; replaces arginine 209 with lysine.
Molecular consequence: missense variant.
Genome position (GRCh38, 1-based): chr8:144,516,493, C>T on the plus strand (G>A on the coding strand, the complement: RECQL4 is on the minus strand). VCF-style: chr8-144516493-C-T. GRCh37 (hg19) VCF-style: chr8-145741877-C-T.
Other names: short protein forms R209K.
Identifiers: ClinVar variation 459509 (VCV000459509.11), dbSNP rs753018522, ClinGen allele CA4949234.
Genomic context (GRCh38, chr8:144,516,493, plus strand): 5'-CCAAGGACAGCCGACTCACCAGGGATCAGAAGTTGTGATTCCTCTGAGCCTAGATCAGGC[C>T]TGCAGGCTTTGGGGGCCCCCAGAAAATCTGGGACCTCACTGTGACATCGCTGTAACCAGC-3'
Protein context (NP_004251.4, residues 199-219): PDFLGAPKAC[Arg209Lys]PDLGSEESQL

ClinVar aggregate classification (germline): Conflicting classifications of pathogenicity. Review status: criteria provided, conflicting classifications (1 of 4 stars). 2 submissions from 2 submitters: Uncertain significance (1); Benign (1). Last evaluated 2025-11-05.

Conditions:
Ovarian cancer. Also called: OVARIAN CANCER, SOMATIC. Identifiers: Orphanet 213500, MedGen C1140680, MONDO:0008170, OMIM 167000.
Baller-Gerold syndrome (BGS). Also called: CRANIOSYNOSTOSIS WITH RADIAL DEFECTS. Identifiers: Orphanet 1225, MedGen C0265308, MONDO:0009039, OMIM 218600.

Allele frequency attached by ClinVar (database versions not stated): gnomAD 0.00001; TOPMed 0.00002.
gnomAD v4.1: 11 of 1,609,000 alleles (0.00068%); highest among the groups gnomAD compares: East Asian, 0.025%; no homozygotes.

Submissions (2):

Labcorp Genetics (formerly Invitae), Labcorp
Classification: Uncertain significance for Baller-Gerold syndrome. Last evaluated: 2025-11-05. Review status: criteria provided, single submitter. Criteria: Invitae Variant Classification Sherloc (09022015). Collection method: clinical testing. Allele origin: germline.
Comment: This sequence change replaces arginine, which is basic and polar, with lysine, which is basic and polar, at codon 209 of the RECQL4 protein (p.Arg209Lys). This variant is present in population databases (rs753018522, gnomAD 0.07%). This variant has not been reported in the literature in individuals affected with RECQL4-related conditions. ClinVar contains an entry for this variant (Variation ID: 459509). Invitae Evidence Modeling of protein sequence and biophysical properties (such as structural, functional, and spatial information, amino acid conservation, physicochemical variation, residue mobility, and thermodynamic stability) indicates that this missense variant is not expected to disrupt RECQL4 protein function with a negative predictive value of 80%. In summary, the available evidence is currently insufficient to determine the role of this variant in disease. Therefore, it has been classified as a Variant of Uncertain Significance.

Laboratory of Molecular Epidemiology of Birth Defects, West China Second University Hospital, Sichuan University
Classification: Benign for Ovarian cancer. Last evaluated: 2022-01-01. Review status: criteria provided, single submitter. Criteria: ACMG Guidelines, 2015. Collection method: clinical testing. Allele origin: germline. Affected: yes.